The following is an entry in ClinVar:

ClinVar aggregate classification (germline): Uncertain significance (1 of 4 stars; one submission).

Conditions:
Breast-ovarian cancer, familial, susceptibility to, 4. Identifiers: Orphanet 145, MedGen C3280345, MONDO:0013669, OMIM 614291.

Submission:

Labcorp Genetics (formerly Invitae), Labcorp
Classification: Uncertain significance for Breast-ovarian cancer, familial, susceptibility to, 4. Last evaluated: 2024-10-09. Review status: criteria provided, single submitter. Criteria: Invitae Variant Classification Sherloc (09022015). Collection method: clinical testing. Allele origin: germline.
Comment: This sequence change replaces arginine, which is basic and polar, with proline, which is neutral and non-polar, at codon 55 of the RAD51D protein (p.Arg55Pro). This variant is not present in population databases (gnomAD no frequency). This variant has not been reported in the literature in individuals affected with RAD51D-related conditions. Invitae Evidence Modeling of protein sequence and biophysical properties (such as structural, functional, and spatial information, amino acid conservation, physicochemical variation, residue mobility, and thermodynamic stability) indicates that this missense variant is expected to disrupt RAD51D protein function with a positive predictive value of 80%. In summary, the available evidence is currently insufficient to determine the role of this variant in disease. Therefore, it has been classified as a Variant of Uncertain Significance.

NM_002878.4(RAD51D):c.164G>C (p.Arg55Pro)

Genes: RAD51L3-RFFL (RAD51L3-RFFL readthrough; minus strand), RAD51D (RAD51 paralog D; minus strand). Cytogenetic location: 17q12.
Variant type: single nucleotide variant.
Coding change: c.164G>C on transcript NM_002878.4 (MANE Select); coding-DNA position 164, G replaced by C.
Protein change: p.Arg55Pro; replaces arginine 55 with proline.
Molecular consequence: missense variant. On other transcripts: intron variant (2).
Genome position (GRCh38, 1-based): chr17:35,118,600, C>G on the plus strand (G>C on the coding strand, the complement: RAD51D is on the minus strand). VCF-style: chr17-35118600-C-G. GRCh37 (hg19) VCF-style: chr17-33445619-C-G.
Other names: c.144+511G>C (NM_133629.3, NM_001142571.2); short protein forms R55P.
Identifiers: ClinVar variation 3666443 (VCV003666443.2).